The following is an entry in ClinVar:

ClinVar aggregate classification (germline): Benign. Review status: criteria provided, multiple submitters, no conflicts (2 of 4 stars). 9 submissions from 9 submitters: Benign (9). Last evaluated 2026-03-27.

Conditions:
Cardiovascular phenotype. Identifiers: MedGen CN230736.
Long QT syndrome (LQTS). Identifiers: MedGen C0023976, MeSH D008133, MONDO:0002442. Disease mechanism: loss of function. Inheritance: Various modes of inheritance.

Allele frequency attached by ClinVar (database versions not stated): 1000 Genomes Project 0.01597; gnomAD exomes 0.00152 and 0.00368; ExAC 0.00574; 1000 Genomes Project 30x 0.01515; ESP Exome Variant Server 0.01440; gnomAD 0.01502 and 0.01614; TOPMed 0.01708.
gnomAD v4.1: 4,567 of 1,604,226 alleles (0.28%); highest among the groups gnomAD compares: African/African-American, 5.3%; 120 homozygotes.

Submissions (9):

Molecular Diagnostic Laboratory for Inherited Cardiovascular Disease, Montreal Heart Institute
Classification: Benign. Last evaluated: 2026-03-27. Review status: criteria provided, single submitter. Criteria: ACMG Guidelines, 2015. Collection method: clinical testing. Allele origin: germline. Affected: no.

Labcorp Genetics (formerly Invitae), Labcorp
Classification: Benign for Long QT syndrome. Last evaluated: 2026-02-03. Review status: criteria provided, single submitter. Criteria: Invitae Variant Classification Sherloc (09022015). Collection method: clinical testing. Allele origin: germline.

ARUP Laboratories, Molecular Genetics and Genomics, ARUP Laboratories
Classification: Benign. Last evaluated: 2025-07-08. Review status: criteria provided, single submitter. Criteria: ARUP Molecular Germline Variant Investigation Process 2024. Collection method: clinical testing. Allele origin: germline.

Ambry Genetics
Classification: Benign for Cardiovascular phenotype. Last evaluated: 2016-03-15. Review status: criteria provided, single submitter. Criteria: Ambry Variant Classification Scheme 2023. Collection method: clinical testing. Allele origin: germline.

Mayo Clinic Laboratories, Mayo Clinic
Classification: Benign. Last evaluated: 2016-03-09. Review status: criteria provided, single submitter. Criteria: ACMG Guidelines, 2015. Collection method: clinical testing. Allele origin: germline. Observed: 19 variant alleles.

GeneDx
Classification: Benign. Last evaluated: 2015-03-03. Review status: criteria provided, single submitter. Criteria: GeneDx Variant Classification Process June 2021. Collection method: clinical testing. Allele origin: germline. Affected: yes.

Biesecker Lab/Clinical Genomics Section, National Institutes of Health
Classification: Benign. Last evaluated: 2013-06-24. Review status: criteria provided, single submitter. Criteria: Ng et al. (Circ Cardiovasc Genet. 2013). Collection method: research. Allele origin: unknown. Observed: 3 variant alleles. Study: ClinSeq.
Comment: The study set was not selected for affection status in relation to any cancer. Pathogenicity categories were based on literature curation. See Pubmed ID:23861362 for details.

Medical sequencing

Breakthrough Genomics
Classification: Benign. Review status: criteria provided, single submitter. Criteria: ACMG Guidelines, 2015. Collection method: not provided. Allele origin: germline. Inheritance: Autosomal dominant inheritance. Affected: yes.

PreventionGenetics, part of Exact Sciences
Classification: Benign. Review status: criteria provided, single submitter. Criteria: ACMG Guidelines, 2015. Collection method: clinical testing. Allele origin: germline.

NM_000719.7(CACNA1C):c.5383G>A (p.Gly1795Arg)

Genes: CACNA1C (calcium voltage-gated channel subunit alpha1 C; plus strand), CACNA1C-AS1 (CACNA1C antisense RNA 1; minus strand). Cytogenetic location: 12p13.33.
Variant type: single nucleotide variant.
Coding change: c.5383G>A on transcript NM_000719.7 (MANE Select); coding-DNA position 5383, G replaced by A.
Protein change: p.Gly1795Arg; replaces glycine 1795 with arginine.
Molecular consequence: missense variant.
Genome position (GRCh38, 1-based): chr12:2,679,735, G>A. VCF-style: chr12-2679735-G-A. GRCh37 (hg19) VCF-style: chr12-2788901-G-A.
Other names: c.5527G>A, p.Gly1843Arg (NM_001129827.2, NM_199460.4); c.5506G>A, p.Gly1836Arg (NM_001129829.2); c.5383G>A, p.Gly1795Arg (NM_001129830.3, NM_001129840.2, NM_001129841.2 and 4 more transcripts); c.5467G>A, p.Gly1823Arg (NM_001129831.2); c.5443G>A, p.Gly1815Arg (NM_001129832.2); c.5440G>A, p.Gly1814Arg (NM_001129833.2, NM_001129834.2, NM_001129835.2); c.5434G>A, p.Gly1812Arg (NM_001129836.2); c.5407G>A, p.Gly1803Arg (NM_001129837.2, NM_001129838.2); and 3 more; short protein forms G1795R, G1843R, G1803R, G1823R, G1836R, G1814R, G1784R, G1792R.
Identifiers: ClinVar variation 191565 (VCV000191565.34), dbSNP rs111298509, ClinGen allele CA199916.